The following is an entry in ClinVar:

ClinVar aggregate classification (germline): Uncertain significance (1 of 4 stars; one submission).

Conditions:
Congenital myotonia, autosomal recessive form. Also called: Becker Generalized Myotonia; BECKER DISEASE; myotonia congenita, autosomal recessive. Identifiers: Orphanet 614, MedGen C0751360, MONDO:0009715, OMIM 255700.
Congenital myotonia, autosomal dominant form (THD). Also called: THOMSEN DISEASE; Myotonia congenita autosomal dominant. Identifiers: Orphanet 614, MedGen C2936781, MONDO:0008055, OMIM 160800.

Allele frequency attached by ClinVar (database versions not stated): gnomAD exomes below 0.00001.
gnomAD v4.1: 1 of 1,614,148 alleles (0.000062%); highest among the groups gnomAD compares: Non-Finnish European, 0.000085%; no homozygotes.

Submission:

Labcorp Genetics (formerly Invitae), Labcorp
Classification: Uncertain significance for Congenital myotonia, autosomal recessive form; Congenital myotonia, autosomal dominant form. Last evaluated: 2023-07-07. Review status: criteria provided, single submitter. Criteria: Invitae Variant Classification Sherloc (09022015). Collection method: clinical testing. Allele origin: germline.
Comment: In summary, the available evidence is currently insufficient to determine the role of this variant in disease. Therefore, it has been classified as a Variant of Uncertain Significance. Advanced modeling of protein sequence and biophysical properties (such as structural, functional, and spatial information, amino acid conservation, physicochemical variation, residue mobility, and thermodynamic stability) performed at Invitae indicates that this missense variant is not expected to disrupt CLCN1 protein function. ClinVar contains an entry for this variant (Variation ID: 1487675). This variant has not been reported in the literature in individuals affected with CLCN1-related conditions. This variant is not present in population databases (gnomAD no frequency). This sequence change replaces histidine, which is basic and polar, with tyrosine, which is neutral and polar, at codon 873 of the CLCN1 protein (p.His873Tyr).

NM_000083.3(CLCN1):c.2617C>T (p.His873Tyr)

Gene: CLCN1 (chloride voltage-gated channel 1; plus strand). Cytogenetic location: 7q34.
Variant type: single nucleotide variant.
Coding change: c.2617C>T on transcript NM_000083.3 (MANE Select); coding-DNA position 2617, C replaced by T.
Protein change: p.His873Tyr; replaces histidine 873 with tyrosine.
Molecular consequence: missense variant. On other transcripts: non-coding transcript variant (1).
Genome position (GRCh38, 1-based): chr7:143,351,615, C>T. VCF-style: chr7-143351615-C-T. GRCh37 (hg19) VCF-style: chr7-143048708-C-T.
Other names: short protein forms H873Y.
Identifiers: ClinVar variation 1487675 (VCV001487675.8), dbSNP rs2116401119, ClinGen allele CA369653470.